The following is an entry in ClinVar:

ClinVar aggregate classification (germline): Pathogenic. Review status: criteria provided, multiple submitters, no conflicts (2 of 4 stars). 9 submissions from 9 submitters: Pathogenic (7). 2 of the submissions do not count toward it. Last evaluated 2026-08-17.

Conditions:
Differences in sex development.
AR-related disorders.
AR-related disorder. Also called: AR-related condition.
Kennedy disease (SMAX1). Also called: Spinal and Bulbar Muscular Atrophy; SPINAL AND BULBAR MUSCULAR ATROPHY, X-LINKED 1; KENNEDY SPINAL AND BULBAR MUSCULAR ATROPHY. Identifiers: Orphanet 481, MedGen C1839259, MONDO:0010735, OMIM 313200.
Androgen resistance syndrome (AIS). Also called: ANDROGEN RECEPTOR DEFICIENCY; DHTR DEFICIENCY; TESTICULAR FEMINIZATION SYNDROME; Androgen insensitivity syndrome; DIHYDROTESTOSTERONE RECEPTOR DEFICIENCY; Androgen insensitivity syndrome due to coactivator deficiency. Identifiers: Orphanet 754, Orphanet 99429, MedGen C0039585, MONDO:0019154, OMIM 300068. Disease mechanism: loss of function.
Partial androgen insensitivity syndrome (PAIS). Also called: ANDROGEN INSENSITIVITY, PARTIAL, WITH OR WITHOUT BREAST CANCER; Reifenstein syndrome; Partial Androgen Insensitivity Syndrome (PAIS); Gynecomastia, familial; Pseudohermaphroditism, Incomplete male, type I; Reifenstein syndrome, partial. Identifiers: Orphanet 90797, MedGen C0268301, MONDO:0010720, OMIM 312300.

Submissions (9):

PreventionGenetics, part of Exact Sciences
Classification: Pathogenic for AR-related condition. Last evaluated: 2026-08-17. Review status: criteria provided, single submitter. Criteria: ACMG Guidelines, 2015. Collection method: clinical testing. Allele origin: germline.
Comment: The AR c.2522G>A variant is predicted to result in the amino acid substitution p.Arg841His. This variant (also described as p.Arg838His, p.Arg839His, p.Arg840His using legacy nomenclature) has been reported and found to co-segregate with disease in many individuals with partial or complete androgen insensitivity syndrome (for example, see Shojaei et al. 2014. PubMed ID: 25241384; Disciglio et al. 2016. PubMed ID: 27267075; Liu et al. 2020. PubMed ID: 32345305; Kumar et al. 2021. PubMed ID: 34689141). In vitro functional studies have found that this variant leads to impaired binding of 5α-dihydrotestosterone in cultured patient fibroblasts and reduced transcriptional activity in transformed COS1 cells (McPhaul et al. 1992. PubMed ID: 1430233; Beitel et al. 1994. PubMed ID: 8040309). This variant has not been reported in a large population database (gnomAD), indicating this variant is rare. Other missense substitutions of the same amino acid (p.Arg841Cys, p.Arg841Ser, p.Arg841Gly) have also been reported in individuals with androgen insensitivity and disorders of sex development (DSDs) (McPhaul et al. 1992. PubMed ID: 1430233; Ledig et al. 2005. PubMed ID: 15925895; Arya et al. 2021. PubMed ID: 34333495; Zidoune et al. 2022. PubMed ID: 36110220). Taken together, the p.Arg841His variant is interpreted as pathogenic.

NHS Central & South Genomic Laboratory Hub
Classification: Pathogenic for Differences in sex development. Last evaluated: 2025-10-21. Review status: criteria provided, single submitter. Criteria: ACMG Guidelines, 2015. Collection method: clinical testing. Allele origin: germline. Affected: yes.

3billion
Classification: Pathogenic for Androgen resistance syndrome. Last evaluated: 2023-11-13. Review status: criteria provided, single submitter. Criteria: ACMG Guidelines, 2015. Collection method: clinical testing. Allele origin: germline. Affected: yes.
Comment: The variant is not observed in the gnomAD v2.1.1 dataset. Predicted Consequence/Location: Missense variant In silico tool predictions suggest damaging effect of the variant on gene or gene product [REVEL: 0.91 (>=0.6, sensitivity 0.68 and specificity 0.92); 3Cnet: 0.95 (>=0.6, sensitivity 0.72 and precision 0.9)]. Same nucleotide change resulting in same amino acid change has been previously reported as pathogenic/likely pathogenic with strong evidence (ClinVar ID: VCV000009829 /PMID: 1430233 /3billion dataset). The variant has been observed in multiple (>3) similarly affected unrelated individuals (PMID: 1430233, 16450583, 25241384, 28624954, 32985417). Different missense changes at the same codon (p.Arg841Cys, p.Arg841Gly, p.Arg841Ser) have been reported as pathogenic/likely pathogenic with strong evidence (ClinVar ID: VCV000009830 /PMID: 10502786, 1430233, 9856504). Therefore, this variant is classified as Pathogenic according to the recommendation of ACMG/AMP guideline.

Labcorp Genetics (formerly Invitae), Labcorp
Classification: Pathogenic for Kennedy disease; Androgen resistance syndrome. Last evaluated: 2023-07-04. Review status: criteria provided, single submitter. Criteria: Invitae Variant Classification Sherloc (09022015). Collection method: clinical testing. Allele origin: germline.
Comment: This sequence change replaces arginine, which is basic and polar, with histidine, which is basic and polar, at codon 841 of the AR protein (p.Arg841His). This variant is not present in population databases (gnomAD no frequency). This missense change has been observed in individuals with androgen insensitivity syndome (PMID: 1430233, 8040309, 16450583, 25241384, 27267075, 28186600, 28624954). It has also been observed to segregate with disease in related individuals. This variant is also known as p.R838H, p.R839H, and p.R840H. ClinVar contains an entry for this variant (Variation ID: 9829). Advanced modeling of protein sequence and biophysical properties (such as structural, functional, and spatial information, amino acid conservation, physicochemical variation, residue mobility, and thermodynamic stability) has been performed at Invitae for this missense variant, however the output from this modeling did not meet the statistical confidence thresholds required to predict the impact of this variant on AR protein function. Experimental studies have shown that this missense change affects AR function (PMID: 1430233, 8040309). This variant disrupts the p.Arg941 amino acid residue in AR. Other variant(s) that disrupt this residue have been determined to be pathogenic (PMID: 1430233, 8040309, 8824883, 11788673, 15925895, 20011049). This suggests that this residue is clinically significant, and that variants that disrupt this residue are likely to be disease-causing. For these reasons, this variant has been classified as Pathogenic.

Blueprint Genetics
Classification: Pathogenic for AR-related disorders. Last evaluated: 2019-12-02. Review status: criteria provided, single submitter. Criteria: ACMG Guidelines, 2015. Collection method: clinical testing. Allele origin: germline. Affected: yes. Observed: 1 variant allele.

GeneDx
Classification: Pathogenic. Last evaluated: 2019-09-10. Review status: criteria provided, single submitter. Criteria: GeneDx Variant Classification Process June 2021. Collection method: clinical testing. Allele origin: germline. Affected: yes.
Comment: Observed in several unrelated patients with androgen insensitivity syndrome in published literature (McPhaul et al., 1992; Beitel et al., 1994); Published functional studies demonstrate a damaging effect on GH gene promotion as well as ligand binding (Beitel et al., 1994); Not observed in large population cohorts (Lek et al., 2016); In silico analysis, which includes protein predictors and evolutionary conservation, supports a deleterious effect; The majority of missense variants in this gene are considered pathogenic (Stenson et al., 2014); This variant is associated with the following publications: (PMID: 32985417, 3605226, 8040309, 28624954, 1430233, 28186600, 25241384, 16450583, 15835798, 27267075)

Clinical Genetics and Genomics, Karolinska University Hospital
Classification: Pathogenic. Last evaluated: 2016-01-21. Review status: criteria provided, single submitter. Criteria: ACMG Guidelines, 2015. Collection method: clinical testing. Allele origin: germline. Affected: yes. Observed: 1 variant allele.

Clinical Molecular Genetics Laboratory, Johns Hopkins All Children's Hospital
Classification: Pathogenic for Androgen resistance syndrome. Last evaluated: 2007-11-30. Review status: no assertion criteria provided. Collection method: clinical testing. Allele origin: germline. Affected: yes. Not counted in ClinVar's aggregate classification.

OMIM
Classification: Pathogenic for ANDROGEN INSENSITIVITY, PARTIAL. Last evaluated: 1994-08-01. Review status: no assertion criteria provided. Collection method: literature only. Allele origin: germline. Not counted in ClinVar's aggregate classification.

Literature cited by the submitters: PubMed 32985417 (cited by 3billion); PubMed 25241384 (cited by 3billion and Labcorp Genetics (formerly Invitae), Labcorp); PubMed 16450583 (cited by 3billion and Labcorp Genetics (formerly Invitae), Labcorp); PubMed 1430233 (cited by 3billion and Labcorp Genetics (formerly Invitae), Labcorp); PubMed 10502786 (cited by 3billion); PubMed 28624954 (cited by 3billion and Labcorp Genetics (formerly Invitae), Labcorp); PubMed 8040309 (cited by Labcorp Genetics (formerly Invitae), Labcorp and OMIM); PubMed 27267075 (cited by Labcorp Genetics (formerly Invitae), Labcorp); PubMed 28186600 (cited by Labcorp Genetics (formerly Invitae), Labcorp); PubMed 8824883 (cited by Labcorp Genetics (formerly Invitae), Labcorp); PubMed 11788673 (cited by Labcorp Genetics (formerly Invitae), Labcorp); PubMed 15925895 (cited by Labcorp Genetics (formerly Invitae), Labcorp); PubMed 20011049 (cited by Labcorp Genetics (formerly Invitae), Labcorp).

NM_000044.6(AR):c.2522G>A (p.Arg841His)

Gene: AR (androgen receptor; plus strand). Cytogenetic location: Xq12.
Variant type: single nucleotide variant.
Coding change: c.2522G>A on transcript NM_000044.6 (MANE Select); coding-DNA position 2522, G replaced by A.
Protein change: p.Arg841His; replaces arginine 841 with histidine.
Molecular consequence: missense variant.
Genome position (GRCh38, 1-based): chrX:67,722,899, G>A. VCF-style: chrX-67722899-G-A. GRCh37 (hg19) VCF-style: chrX-66942741-G-A.
Other names: R839H; c.926G>A, p.Arg309His (NM_001011645.3); short protein forms R309H, R841H.
Identifiers: ClinVar variation 9829 (VCV000009829.18), dbSNP rs9332969, ClinGen allele CA120731.